The following is an entry in ClinVar:

NM_004187.5(KDM5C):c.1100G>A (p.Arg367Gln)

Gene: KDM5C (lysine demethylase 5C; minus strand). Cytogenetic location: Xp11.22.
Variant type: single nucleotide variant.
Coding change: c.1100G>A on transcript NM_004187.5 (MANE Select); coding-DNA position 1100, G replaced by A.
Protein change: p.Arg367Gln; replaces arginine 367 with glutamine.
Molecular consequence: missense variant. On other transcripts: non-coding transcript variant (3).
Genome position (GRCh38, 1-based): chrX:53,214,711, C>T on the plus strand (G>A on the coding strand, the complement: KDM5C is on the minus strand). VCF-style: chrX-53214711-C-T. GRCh37 (hg19) VCF-style: chrX-53243893-C-T.
Other names: c.899G>A, p.Arg300Gln (NM_001146702.2); c.1097G>A, p.Arg366Gln (NM_001282622.3, NM_001353979.2, NM_001353982.2); c.1100G>A, p.Arg367Gln (NM_001353978.3, NM_001353981.2, NM_001353984.2); short protein forms R300Q, R366Q, R367Q.
Identifiers: ClinVar variation 4074382 (VCV004074382.1).
Genomic context (GRCh38, chrX:53,214,711, plus strand): 5'-AAGCCCTATGAGGCAGATGTGGAGTGGGGAGGCCTTACCGCCATGACACACTTTGGGCAC[C>T]GCCAGACACCCTTGGGGATCTCAGGCAGAGGAGGCAGCAGGCAGAAGATGTGGTAGTTGT-3'
Protein context (NP_004178.2, residues 357-377): PLPEIPKGVW[Arg367Gln]CPKCVMAECK

ClinVar aggregate classification (germline): Uncertain significance (1 of 4 stars; one submission).

gnomAD v4.1: 5 of 1,208,224 alleles (0.00041%); highest among the groups gnomAD compares: East Asian, 0.003%; no homozygotes.

Submission:

GeneDx
Classification: Uncertain significance. Last evaluated: 2025-02-05. Review status: criteria provided, single submitter. Criteria: GeneDx Variant Classification Process June 2021. Collection method: clinical testing. Allele origin: germline. Affected: yes.
Comment: Not observed at significant frequency in large population cohorts (gnomAD); In silico analysis supports that this missense variant has a deleterious effect on protein structure/function; Has not been previously published as pathogenic or benign to our knowledge